The following is an entry in ClinVar:

NM_004187.5(KDM5C):c.4451G>C (p.Ser1484Thr)

Gene: KDM5C (lysine demethylase 5C; minus strand). Cytogenetic location: Xp11.22.
Variant type: single nucleotide variant.
Coding change: c.4451G>C on transcript NM_004187.5 (MANE Select); coding-DNA position 4451, G replaced by C.
Protein change: p.Ser1484Thr; replaces serine 1484 with threonine.
Molecular consequence: missense variant. On other transcripts: intron variant (5).
Genome position (GRCh38, 1-based): chrX:53,193,199, C>G on the plus strand (G>C on the coding strand, the complement: KDM5C is on the minus strand). VCF-style: chrX-53193199-C-G. GRCh37 (hg19) VCF-style: chrX-53222381-C-G.
Other names: c.4448G>C, p.Ser1483Thr (NM_001282622.3); c.4442G>C, p.Ser1481Thr (NM_001353978.3); c.4305+238G>C (NM_001353982.2); c.4314+238G>C (NM_001353979.2); c.4308+238G>C (NM_001353981.2, NM_001353984.2); c.4046+299G>C (NM_001146702.2); short protein forms S1481T, S1483T, S1484T.
Identifiers: ClinVar variation 3899108 (VCV003899108.1).

ClinVar aggregate classification (germline): Uncertain significance (1 of 4 stars; one submission).

gnomAD v4.1: 3 of 1,208,051 alleles (0.00025%); highest among the groups gnomAD compares: African/African-American, 0.0053%; no homozygotes.

Submission:

GeneDx
Classification: Uncertain significance. Last evaluated: 2024-11-06. Review status: criteria provided, single submitter. Criteria: GeneDx Variant Classification Process June 2021. Collection method: clinical testing. Allele origin: germline. Affected: yes.
Comment: Not observed at significant frequency in large population cohorts (gnomAD); In silico analysis indicates that this missense variant does not alter protein structure/function; Has not been previously published as pathogenic or benign to our knowledge